The following is an entry in ClinVar:

NM_000548.5(TSC2):c.1848C>T (p.Asp616=)

Gene: TSC2 (TSC complex subunit 2; plus strand). Cytogenetic location: 16p13.3.
Variant type: single nucleotide variant.
Coding change: c.1848C>T on transcript NM_000548.5 (MANE Select); coding-DNA position 1848, C replaced by T.
Protein change: p.Asp616=; no amino-acid change (aspartic acid 616 retained).
Molecular consequence: synonymous variant. On other transcripts: non-coding transcript variant (5).
Genome position (GRCh38, 1-based): chr16:2,071,518, C>T. VCF-style: chr16-2071518-C-T. GRCh37 (hg19) VCF-style: chr16-2121519-C-T.
Other names: c.1848C>T, p.Asp616= (NM_001077183.3, NM_001114382.3, NM_001363528.2 and 6 more transcripts); c.1737C>T, p.Asp579= (NM_001318827.2, NM_001406670.1, NM_001406678.1); c.1701C>T, p.Asp567= (NM_001318829.2, NM_001406675.1, NM_001406676.1 and 1 more transcripts); c.1248C>T, p.Asp416= (NM_001318831.2, NM_001406680.1, NM_001406682.1 and 6 more transcripts); c.1881C>T, p.Asp627= (NM_001318832.2); c.1938C>T, p.Asp646= (NM_001406667.1, NM_001406668.1); c.1836C>T, p.Asp612= (NM_001406671.1, NM_001406673.1); c.504C>T, p.Asp168= (NM_001406696.1, NM_001406697.1, NM_001406689.1 and 6 more transcripts); and 3 more.
Identifiers: ClinVar variation 3386163 (VCV003386163.2).
Genomic context (GRCh38, chr16:2,071,518, plus strand): 5'-TCCTGGGCCTGCACGAGCTTGGCTCTGGCTTTCACCATCCTCTTCCTGACAGGCCTTTGA[C>T]TTCCTGTTGCTGCTGCGGGCCGACTCACTGCACCGCCTGGGCCTGCCCAACAAGGATGGA-3'
Protein context (NP_000539.2, residues 606-626): IASSIRLQAF[Asp616=]FLLLLRADSL

ClinVar aggregate classification (germline): Likely benign. Review status: criteria provided, multiple submitters, no conflicts (2 of 4 stars). 2 submissions from 2 submitters: Likely benign (2). Last evaluated 2026-02-21.

Conditions:
Hereditary cancer-predisposing syndrome. Also called: Hereditary neoplastic syndrome; Tumor predisposition; Neoplastic Syndromes, Hereditary; Hereditary Cancer Syndrome. Identifiers: Orphanet 140162, MedGen C0027672, MeSH D009386, MONDO:0015356.
Tuberous sclerosis syndrome (TSC). Also called: Tuberous Sclerosis Complex; Tuberous sclerosis. Identifiers: Orphanet 805, MedGen C0041341, MONDO:0001734.

Submissions (2):

Ambry Genetics
Classification: Likely benign for Hereditary cancer-predisposing syndrome. Last evaluated: 2026-02-21. Review status: criteria provided, single submitter. Criteria: Ambry Variant Classification Scheme 2023. Collection method: clinical testing. Allele origin: germline.

All of Us Research Program, National Institutes of Health
Classification: Likely benign for Tuberous sclerosis syndrome. Last evaluated: 2024-06-09. Review status: criteria provided, single submitter. Criteria: ACMG Guidelines, 2015. Collection method: clinical testing. Allele origin: germline. Inheritance: Autosomal dominant inheritance. Observed: 1 variant allele, 1 heterozygote.
Comment: This study involves interpretation of variants in research participants for the purpose of population health screening. Participant phenotype was not available at the time of variant classification. Additional details can be found in publication PMID: 35346344, PMCID: PMC8962531